The following is an entry in ClinVar:

ClinVar aggregate classification (germline): Benign/Likely benign. Review status: criteria provided, multiple submitters, no conflicts (2 of 4 stars). 5 submissions from 5 submitters: Benign (1); Likely benign (3). 1 of the submissions does not count toward it. Last evaluated 2026-01-28.

Submissions (5):

Labcorp Genetics (formerly Invitae), Labcorp
Classification: Benign. Last evaluated: 2026-01-28. Review status: criteria provided, single submitter. Criteria: Invitae Variant Classification Sherloc (09022015). Collection method: clinical testing. Allele origin: germline.

Laboratory of Genetics, Children's Clinical University Hospital Latvia
Classification: Likely benign. Last evaluated: 2025-02-16. Review status: criteria provided, single submitter. Criteria: ACMG Guidelines, 2015. Collection method: clinical testing. Allele origin: germline. Affected: yes.

Blueprint Genetics
Classification: Likely benign. Last evaluated: 2024-11-26. Review status: criteria provided, single submitter. Criteria: ACMG Guidelines, 2015. Collection method: clinical testing. Allele origin: germline.

CeGaT Center for Human Genetics Tuebingen
Classification: Likely benign. Last evaluated: 2024-06-01. Review status: criteria provided, single submitter. Criteria: CeGaT Center For Human Genetics Tuebingen Variant Classification Criteria Version 2. Collection method: clinical testing. Allele origin: germline. Affected: yes. Observed: 1 variant allele.
Comment: MNX1: BP3

Gharavi Laboratory, Columbia University
Classification: Uncertain significance. Last evaluated: 2018-09-16. Review status: no assertion criteria provided. Criteria: ACMG Guidelines, 2015. Collection method: research. Allele origin: germline. Affected: yes. Not counted in ClinVar's aggregate classification.

NM_005515.4(MNX1):c.375CGC[8] (p.Ala134del)

Genes: MNX1 (motor neuron and pancreas homeobox 1; minus strand), LOC129999736 (ATAC-STARR-seq lymphoblastoid silent region 18858; plus strand). Cytogenetic location: 7q36.3.
Variant type: Microsatellite.
Coding change: c.375CGC[8] on transcript NM_005515.4 (MANE Select); eight copies in a row of the 3-base unit CGC starting at c.375; the reference has nine copies in a row; one copy, 3 bases deleted.
Protein change: p.Ala134del; deletes alanine 134.
Molecular consequence: inframe deletion.
Genome position (GRCh38, 1-based): chr7:157,009,950-157,009,952, GCG deleted on the plus strand (CGC on the coding strand, the reverse complement: MNX1 is on the minus strand); deleting any 3 consecutive bases within chr7:157,009,950-157,009,978 gives the same sequence; the position shown is the placement nearest the transcript's 3' end. VCF-style (leftmost placement, unchanged base first): chr7-157009949-AGCG-A. GRCh37 (hg19) VCF-style: chr7-156802643-AGCG-A.
Other names: short protein forms A134del.
Identifiers: ClinVar variation 591750 (VCV000591750.29), dbSNP rs548755417, ClinGen allele CA458894424.